The following is an entry in ClinVar:

ClinVar aggregate classification (germline): Uncertain significance. Review status: criteria provided, multiple submitters, no conflicts (2 of 4 stars). 2 submissions from 2 submitters: Uncertain significance (2). Last evaluated 2024-12-22.

Submissions (2):

Ambry Genetics
Classification: Uncertain significance. Last evaluated: 2024-12-22. Review status: criteria provided, single submitter. Criteria: Ambry Variant Classification Scheme 2023. Collection method: clinical testing. Allele origin: germline.

GeneDx
Classification: Uncertain significance. Last evaluated: 2022-04-18. Review status: criteria provided, single submitter. Criteria: GeneDx Variant Classification Process June 2021. Collection method: clinical testing. Allele origin: germline. Affected: yes.
Comment: Not observed at significant frequency in large population cohorts (gnomAD); In silico analysis supports that this missense variant does not alter protein structure/function; Has not been previously published as pathogenic or benign to our knowledge

NM_001008537.3(NEXMIF):c.3367G>T (p.Val1123Phe)

Gene: NEXMIF (neurite extension and migration factor; minus strand). Cytogenetic location: Xq13.3.
Variant type: single nucleotide variant.
Coding change: c.3367G>T on transcript NM_001008537.3 (MANE Select); coding-DNA position 3367, G replaced by T.
Protein change: p.Val1123Phe; replaces valine 1123 with phenylalanine.
Molecular consequence: missense variant.
Genome position (GRCh38, 1-based): chrX:74,741,190, C>A on the plus strand (G>T on the coding strand, the complement: NEXMIF is on the minus strand). VCF-style: chrX-74741190-C-A. GRCh37 (hg19) VCF-style: chrX-73961025-C-A.
Other names: c.3367G>T (NM_001008537.2); short protein forms V1123F.
Identifiers: ClinVar variation 1712121 (VCV001712121.3), dbSNP rs2519912361, ClinGen allele CA413666115.